The following is an entry in ClinVar:

NM_000091.5(COL4A3):c.3674G>A (p.Gly1225Glu)

Genes: COL4A3 (collagen type IV alpha 3 chain; plus strand), MFF-DT (MFF divergent transcript; minus strand). Cytogenetic location: 2q36.3.
Variant type: single nucleotide variant.
Coding change: c.3674G>A on transcript NM_000091.5 (MANE Select); coding-DNA position 3674, G replaced by A.
Protein change: p.Gly1225Glu; replaces glycine 1225 with glutamic acid.
Molecular consequence: missense variant.
Genome position (GRCh38, 1-based): chr2:227,297,782, G>A. VCF-style: chr2-227297782-G-A. GRCh37 (hg19) VCF-style: chr2-228162498-G-A.
Other names: short protein forms G1225E.
Identifiers: ClinVar variation 3586121 (VCV003586121.2).
Genomic context (GRCh38, chr2:227,297,782, plus strand): 5'-GAAAAGGGGCCATGGGAGATGCTGGACCTCGAGGACCCACAGGCATAGAAGGATTCCCAG[G>A]GCCACCAGGTCTGCCCGGTGCAATTATCCCTGGCCAGACAGGAAATCGTGGTCCACCAGG-3'
Protein context (NP_000082.2, residues 1215-1235): RGPTGIEGFP[Gly1225Glu]PPGLPGAIIP

ClinVar aggregate classification (germline): Conflicting classifications of pathogenicity. Review status: criteria provided, conflicting classifications (1 of 4 stars). 2 submissions from 2 submitters: Likely pathogenic (1); Uncertain significance (1). Last evaluated 2025-07-30.

Conditions:
Autosomal dominant Alport syndrome (ATS3A). Also called: Alport syndrome dominant type; Renal failure and sensorineural hearing loss; ALPORT SYNDROME 3A, AUTOSOMAL DOMINANT. Identifiers: Orphanet 63, Orphanet 88918, MedGen C5882663, MONDO:0007086, OMIM 104200.
Hematuria, benign familial, 2 (BFH2). Identifiers: MedGen C5830421, MONDO:0958186, OMIM 620320.
Alport syndrome 3b, autosomal recessive. Identifiers: MedGen C5882699, MONDO:0957811, OMIM 620536.

gnomAD v4.1: 1 of 1,586,194 alleles (0.000063%); highest among the groups gnomAD compares: Non-Finnish European, 0.000086%; no homozygotes.

Submissions (2):

Labcorp Genetics (formerly Invitae), Labcorp
Classification: Uncertain significance. Last evaluated: 2025-07-30. Review status: criteria provided, single submitter. Criteria: Invitae Variant Classification Sherloc (09022015). Collection method: clinical testing. Allele origin: germline.
Comment: This sequence change replaces glycine, which is neutral and non-polar, with glutamic acid, which is acidic and polar, at codon 1225 of the COL4A3 protein (p.Gly1225Glu). The frequency data for this variant in the population databases is considered unreliable, as metrics indicate poor data quality at this position in the gnomAD database. This missense change has been observed in individual(s) with Alport Syndrome (internal data). ClinVar contains an entry for this variant (Variation ID: 3586121). Invitae Evidence Modeling of protein sequence and biophysical properties (such as structural, functional, and spatial information, amino acid conservation, physicochemical variation, residue mobility, and thermodynamic stability) indicates that this missense variant is expected to disrupt COL4A3 protein function with a positive predictive value of 80%. In summary, the available evidence is currently insufficient to determine the role of this variant in disease. Therefore, it has been classified as a Variant of Uncertain Significance.

Fulgent Genetics
Classification: Likely pathogenic for Autosomal dominant Alport syndrome; Hematuria, benign familial, 2; Alport syndrome 3b, autosomal recessive. Last evaluated: 2024-03-13. Review status: criteria provided, single submitter. Criteria: ACMG Guidelines, 2015. Collection method: clinical testing. Allele origin: germline.